The following is an entry in ClinVar:

ClinVar aggregate classification (germline): Likely pathogenic (1 of 4 stars; one submission).

Conditions:
Autism, susceptibility to, 17. Also called: Autism susceptibility 17. Identifiers: MedGen C3150693, MONDO:0013265, OMIM 613436.

Submission:

Juno Genomics, Hangzhou Juno Genomics, Inc
Classification: Likely pathogenic for Autism, susceptibility to, 17. Review status: criteria provided, single submitter. Criteria: ACMG Guidelines, 2015. Collection method: clinical testing. Allele origin: germline.
Comment: Absent from controls (or at extremely low frequency if recessive) in Genome Aggregation Database.;Null variant in a gene where loss of function (LOF) is a known mechanism of disease.

NM_012309.5(SHANK2):c.592+1G>A

Gene: SHANK2 (SH3 and multiple ankyrin repeat domains 2; minus strand). Cytogenetic location: 11q13.4.
Variant type: single nucleotide variant.
Coding change: c.592+1G>A on transcript NM_012309.5 (MANE Select); the canonical splice donor site of the intron after coding-DNA position 592, G replaced by A.
Molecular consequence: splice donor variant.
Genome position (GRCh38, 1-based): chr11:71,109,940, C>T on the plus strand (G>A on the coding strand, the complement: SHANK2 is on the minus strand). VCF-style: chr11-71109940-C-T. GRCh37 (hg19) VCF-style: chr11-70820986-C-T.
Other names: c.592+1G>A (NM_001441039.1, NM_001441024.1, NM_001441036.1 and 12 more transcripts); c.520+1G>A (NM_001441038.1).
Identifiers: ClinVar variation 5019105 (VCV005019105.2).
Genomic context (GRCh38, chr11:71,109,940, plus strand): 5'-TGGGCTGGCCTTCTCTACGCTTCCGTAAAGCCTGGTAAGGTCCCCTCTAGCAAGTGCTCA[C>T]CTCCGGTCTCCGGGTCGTGGAAATTGGGATCCAGGCCTCGGTCCAGCATCTTGGTGATCT-3'